The following is an entry in ClinVar:

ClinVar aggregate classification (germline): Uncertain significance (1 of 4 stars; one submission).

Conditions:
TTN-related disorder. Also called: TTN-related condition; TTN-related disease; TTN-related disorders.

gnomAD v4.1: 4 of 1,613,578 alleles (0.00025%); highest among the groups gnomAD compares: Admixed American, 0.0067%; no homozygotes.

Submission:

PreventionGenetics, part of Exact Sciences
Classification: Uncertain significance for TTN-related condition. Last evaluated: 2025-04-23. Review status: criteria provided, single submitter. Criteria: ACMG Guidelines, 2015. Collection method: clinical testing. Allele origin: germline.
Comment: The TTN c.26326A>G variant is predicted to result in the amino acid substitution p.Ile8776Val. To our knowledge, this variant has not been reported in the literature. This variant is reported in 0.0058% of alleles in individuals of Latino descent in gnomAD. At this time, the clinical significance of this variant is uncertain due to the absence of conclusive functional and genetic evidence.

NM_001267550.2(TTN):c.26326A>G (p.Ile8776Val)

Gene: TTN (titin; minus strand). Cytogenetic location: 2q31.2.
Variant type: single nucleotide variant.
Coding change: c.26326A>G on transcript NM_001267550.2 (MANE Select); coding-DNA position 26326, A replaced by G.
Protein change: p.Ile8776Val; replaces isoleucine 8776 with valine.
Molecular consequence: missense variant. On other transcripts: intron variant (3).
Genome position (GRCh38, 1-based): chr2:178,714,448, T>C on the plus strand (A>G on the coding strand, the complement: TTN is on the minus strand). VCF-style: chr2-178714448-T-C. GRCh37 (hg19) VCF-style: chr2-179579175-T-C.
Other names: c.25375A>G, p.Ile8459Val (NM_001256850.1); c.22594A>G, p.Ile7532Val (NM_133378.4); c.13282+23634A>G (NM_003319.4); c.13858+23634A>G (NM_133437.4); c.13657+23634A>G (NM_133432.3); short protein forms I8459V, I7532V, I8776V.
Identifiers: ClinVar variation 4978276 (VCV004978276.1).
Genomic context (GRCh38, chr2:178,714,448, plus strand): 5'-ACTGTAAGGTTGCAATGTTTTCTGAATAAGAAATCCATATGTTGTCACTTTCTCTAACGA[T>C]TTCTCCCTTATCTTTGAACCACACCACTGAAATGGGTTCAGCGCCTTCAATGGTAGTCTG-3'
Protein context (NP_001254479.2, residues 8766-8786): SVVWFKDKGE[Ile8776Val]VRESDNIWIS